The following is an entry in ClinVar:

NM_199420.4(POLQ):c.3616A>G (p.Thr1206Ala)

Gene: POLQ (DNA polymerase theta; minus strand). Cytogenetic location: 3q13.33.
Variant type: single nucleotide variant.
Coding change: c.3616A>G on transcript NM_199420.4 (MANE Select); coding-DNA position 3616, A replaced by G.
Protein change: p.Thr1206Ala; replaces threonine 1206 with alanine.
Molecular consequence: missense variant.
Genome position (GRCh38, 1-based): chr3:121,489,315, T>C on the plus strand (A>G on the coding strand, the complement: POLQ is on the minus strand). VCF-style: chr3-121489315-T-C. GRCh37 (hg19) VCF-style: chr3-121208162-T-C.
Other names: short protein forms T1206A.
Identifiers: ClinVar variation 2497190 (VCV002497190.2), dbSNP rs1296610511, ClinGen allele CA354098667.

ClinVar aggregate classification (germline): Uncertain significance (1 of 4 stars; one submission).

Allele frequency attached by ClinVar (database versions not stated): gnomAD exomes below 0.00001; TOPMed below 0.00001.

Submission:

Ambry Genetics
Classification: Uncertain significance. Last evaluated: 2023-02-27. Review status: criteria provided, single submitter. Criteria: Ambry Variant Classification Scheme 2023. Collection method: clinical testing. Allele origin: germline.
Comment: The p.T1206A variant (also known as c.3616A>G), located in coding exon 16 of the POLQ gene, results from an A to G substitution at nucleotide position 3616. The threonine at codon 1206 is replaced by alanine, an amino acid with similar properties. This amino acid position is conserved. In addition, this alteration is predicted to be tolerated by in silico analysis. Since supporting evidence is limited at this time, the clinical significance of this alteration remains unclear.